The following is an entry in ClinVar:

ClinVar aggregate classification (germline): Uncertain significance. Review status: criteria provided, multiple submitters, no conflicts (2 of 4 stars). 2 submissions from 2 submitters: Uncertain significance (2). Last evaluated 2024-10-04.

Conditions:
Pancreatic adenocarcinoma. Identifiers: MedGen C0281361, MONDO:0006047, HP:0006725.

Allele frequency attached by ClinVar (database versions not stated): gnomAD exomes below 0.00001 and 0.00002; ExAC 0.00002.
gnomAD v4.1: 6 of 1,613,692 alleles (0.00037%); highest among the groups gnomAD compares: Non-Finnish European, 0.00051%; no homozygotes.

Submissions (2):

Ambry Genetics
Classification: Uncertain significance. Last evaluated: 2024-10-04. Review status: criteria provided, single submitter. Criteria: Ambry Variant Classification Scheme 2023. Collection method: clinical testing. Allele origin: germline.
Comment: The p.R1028W variant (also known as c.3082C>T), located in coding exon 17 of the PALLD gene, results from a C to T substitution at nucleotide position 3082. The arginine at codon 1028 is replaced by tryptophan, an amino acid with dissimilar properties. This amino acid position is conserved. In addition, this alteration is predicted to be deleterious by in silico analysis. Since supporting evidence is limited at this time, the clinical significance of this alteration remains unclear.

Labcorp Genetics (formerly Invitae), Labcorp
Classification: Uncertain significance for Pancreatic adenocarcinoma. Last evaluated: 2020-07-26. Review status: criteria provided, single submitter. Criteria: Invitae Variant Classification Sherloc (09022015). Collection method: clinical testing. Allele origin: germline.
Comment: In summary, the available evidence is currently insufficient to determine the role of this variant in disease. Therefore, it has been classified as a Variant of Uncertain Significance. Algorithms developed to predict the effect of missense changes on protein structure and function (SIFT, PolyPhen-2, Align-GVGD) all suggest that this variant is likely to be disruptive, but these predictions have not been confirmed by published functional studies and their clinical significance is uncertain. This variant has not been reported in the literature in individuals with PALLD-related conditions. This variant is present in population databases (rs753881003, ExAC 0.01%). This sequence change replaces arginine with tryptophan at codon 541 of the PALLD protein (p.Arg541Trp). The arginine residue is highly conserved and there is a moderate physicochemical difference between arginine and tryptophan.

NM_001166108.2(PALLD):c.3133C>T (p.Arg1045Trp)

Genes: CBR4 (carbonyl reductase 4; minus strand), PALLD (palladin, cytoskeletal associated protein; plus strand). Cytogenetic location: 4q32.3.
Variant type: single nucleotide variant.
Coding change: c.3133C>T on transcript NM_001166108.2 (MANE Select); coding-DNA position 3133, C replaced by T.
Protein change: p.Arg1045Trp; replaces arginine 1045 with tryptophan.
Molecular consequence: missense variant.
Genome position (GRCh38, 1-based): chr4:168,924,329, C>T. VCF-style: chr4-168924329-C-T. GRCh37 (hg19) VCF-style: chr4-169845480-C-T.
Other names: c.1936C>T, p.Arg646Trp (NM_001166109.2); c.1621C>T, p.Arg541Trp (NM_001166110.2); c.961C>T, p.Arg321Trp (NM_001367567.1, NM_001367569.1); c.1012C>T, p.Arg338Trp (NM_001367568.1, NM_001367570.1); c.3082C>T, p.Arg1028Trp (NM_016081.4); short protein forms R1028W, R1045W, R321W, R338W, R541W, R646W.
Identifiers: ClinVar variation 1063687 (VCV001063687.12), dbSNP rs753881003, ClinGen allele CA3136046.